The following is an entry in ClinVar:

ClinVar aggregate classification (germline): Likely pathogenic (1 of 4 stars; one submission).

Submission:

Dasa
Classification: Likely pathogenic. Last evaluated: 2025-12-26. Review status: criteria provided, single submitter. Criteria: DASA Assertion Criteria. Collection method: clinical testing. Allele origin: germline.
Comment: NM_020751.3(COG6):c.624-2A>G affects a canonical splice site and is predicted to disrupt normal RNA splicing. Loss of function is an established disease mechanism for COG6-associated disorders. Also, this variant is rare in population databases. Based on the currently available evidence, this variant is classified as likely pathogenic.

NM_020751.3(COG6):c.624-2A>G

Gene: COG6 (component of oligomeric golgi complex 6; plus strand). Cytogenetic location: 13q14.11.
Variant type: single nucleotide variant.
Coding change: c.624-2A>G on transcript NM_020751.3 (MANE Select); the canonical splice acceptor site of the intron before coding-DNA position 624, A replaced by G.
Molecular consequence: splice acceptor variant.
Genome position (GRCh38, 1-based): chr13:39,679,973, A>G. VCF-style: chr13-39679973-A-G. GRCh37 (hg19) VCF-style: chr13-40254110-A-G.
Other names: c.624-2A>G (NM_001145079.2).
Identifiers: ClinVar variation 4886117 (VCV004886117.2).